The following is an entry in ClinVar:

ClinVar aggregate classification (germline): Uncertain significance (1 of 4 stars; one submission).

Submission:

Ambry Genetics
Classification: Uncertain significance. Last evaluated: 2021-12-25. Review status: criteria provided, single submitter. Criteria: Ambry Variant Classification Scheme 2023. Collection method: clinical testing. Allele origin: germline.
Comment: The p.A49P variant (also known as c.145G>C), located in coding exon 1 of the PRKDC gene, results from a G to C substitution at nucleotide position 145. The alanine at codon 49 is replaced by proline, an amino acid with highly similar properties. This amino acid position is conserved. In addition, this alteration is predicted to be tolerated by in silico analysis. Since supporting evidence is limited at this time, the clinical significance of this alteration remains unclear.

NM_006904.7(PRKDC):c.145G>C (p.Ala49Pro)

Genes: PRKDC (protein kinase, DNA-activated, catalytic subunit; minus strand), LOC130000337 (ATAC-STARR-seq lymphoblastoid silent region 19176; plus strand). Cytogenetic location: 8q11.21.
Variant type: single nucleotide variant.
Coding change: c.145G>C on transcript NM_006904.7 (MANE Select); coding-DNA position 145, G replaced by C.
Protein change: p.Ala49Pro; replaces alanine 49 with proline.
Molecular consequence: missense variant.
Genome position (GRCh38, 1-based): chr8:47,959,982, C>G on the plus strand (G>C on the coding strand, the complement: PRKDC is on the minus strand). VCF-style: chr8-47959982-C-G. GRCh37 (hg19) VCF-style: chr8-48872542-C-G.
Other names: c.145G>C, p.Ala49Pro (NM_001081640.2); short protein forms A49P.
Identifiers: ClinVar variation 1773132 (VCV001773132.2), dbSNP rs1403177409, ClinGen allele CA371142593.
Genomic context (GRCh38, chr8:47,959,982, plus strand): 5'-CGACTCGGGAAGCCAGGACCCACCCGCGGCCCAGCTCGGGCCGGTACCCACCCAGCACCG[C>G]GGGGCTGCTGCTCAGGACGCATTCCTGCCCCAGGCCGCGGATCAGTTGATGACCGGCCAG-3'
Protein context (NP_008835.5, residues 39-59): GQECVLSSSP[Ala49Pro]VLALQTSLVF